The following is an entry in ClinVar:

ClinVar aggregate classification (germline): Benign/Likely benign. Review status: criteria provided, multiple submitters, no conflicts (2 of 4 stars). 6 submissions from 6 submitters: Benign (3); Likely benign (2). 1 of the submissions does not count toward it. Last evaluated 2026-07-01.

Conditions:
RBBP8-related disorder. Also called: RBBP8-Related Disorders; RBBP8-related condition. Identifiers: MedGen CN239300.

Allele frequency attached by ClinVar (database versions not stated): gnomAD 0.00083 and 0.00122; ESP Exome Variant Server 0.00108; TOPMed 0.00113; gnomAD exomes 0.00292; 1000 Genomes Project 0.00300; ExAC 0.00310; 1000 Genomes Project 30x 0.00312.
gnomAD v4.1: 2,542 of 1,613,832 alleles (0.16%); highest among the groups gnomAD compares: South Asian, 1.3%; 18 homozygotes.

Submissions (6):

CeGaT Center for Human Genetics Tuebingen
Classification: Benign. Last evaluated: 2026-07-01. Review status: criteria provided, single submitter. Criteria: CeGaT Center For Human Genetics Tuebingen Variant Classification Criteria Version 2. Collection method: clinical testing. Allele origin: germline. Affected: yes. Observed: 6 variant alleles.
Comment: RBBP8: BP4, BS1, BS2

Labcorp Genetics (formerly Invitae), Labcorp
Classification: Benign. Last evaluated: 2026-02-01. Review status: criteria provided, single submitter. Criteria: Invitae Variant Classification Sherloc (09022015). Collection method: clinical testing. Allele origin: germline.

GeneDx
Classification: Likely benign. Last evaluated: 2020-10-06. Review status: criteria provided, single submitter. Criteria: GeneDx Variant Classification Process June 2021. Collection method: clinical testing. Allele origin: germline. Affected: yes.

Genetic Services Laboratory, University of Chicago
Classification: Benign. Last evaluated: 2016-02-26. Review status: criteria provided, single submitter. Criteria: ACMG Guidelines, 2015. Collection method: clinical testing. Allele origin: germline. Affected: no.

Breakthrough Genomics
Classification: Likely benign. Review status: criteria provided, single submitter. Criteria: ACMG Guidelines, 2015. Collection method: not provided. Allele origin: germline. Inheritance: Autosomal recessive inheritance. Affected: yes.

PreventionGenetics, part of Exact Sciences
Classification: Benign for RBBP8-related condition. Last evaluated: 2019-05-10. Review status: no assertion criteria provided. Collection method: clinical testing. Allele origin: germline. Not counted in ClinVar's aggregate classification.
Comment: This variant is classified as benign based on ACMG/AMP sequence variant interpretation guidelines (Richards et al. 2015 PMID: 25741868, with internal and published modifications).

NM_002894.3(RBBP8):c.109+6A>G

Gene: RBBP8 (RB binding protein 8, endonuclease; plus strand). Cytogenetic location: 18q11.2.
Variant type: single nucleotide variant.
Coding change: c.109+6A>G on transcript NM_002894.3 (MANE Select); 6 bases into the intron after coding-DNA position 109, A replaced by G.
Molecular consequence: intron variant.
Genome position (GRCh38, 1-based): chr18:22,936,966, A>G. VCF-style: chr18-22936966-A-G. GRCh37 (hg19) VCF-style: chr18-20516929-A-G.
Other names: c.109+6A>G (NM_203292.2, NM_203291.2).
Identifiers: ClinVar variation 212018 (VCV000212018.43), dbSNP rs149189755, ClinGen allele CA208984.
Genomic context (GRCh38, chr18:22,936,966, plus strand): 5'-GACTTTAAGGACCTTTGGACAAAACTAAAAGAATGTCATGATAGAGAAGTACAAGGTAAA[A>G]TCTTTTCTTAAATACTTACAGCAGTATTTTGTTGAGACTGTAGTGGCTTTGTATACCTTT-3'